The following is an entry in ClinVar:

ClinVar aggregate classification (germline): Uncertain significance (1 of 4 stars; one submission).

Conditions:
Hereditary cancer-predisposing syndrome. Also called: Hereditary Cancer Syndrome; Neoplastic Syndromes, Hereditary; Tumor predisposition; Hereditary neoplastic syndrome. Identifiers: Orphanet 140162, MedGen C0027672, MeSH D009386, MONDO:0015356.

Allele frequency attached by ClinVar (database versions not stated): gnomAD 0.00001.
gnomAD v4.1: 1 of 1,611,818 alleles (0.000062%); highest among the groups gnomAD compares: Admixed American, 0.0017%; no homozygotes.

Submission:

Ambry Genetics
Classification: Uncertain significance for Hereditary cancer-predisposing syndrome. Last evaluated: 2016-09-02. Review status: criteria provided, single submitter. Criteria: Ambry Variant Classification Scheme 2023. Collection method: clinical testing. Allele origin: germline.
Comment: The p.I1432V variant (also known as c.4294A>G), located in coding exon 30 of the SMARCA4 gene, results from an A to G substitution at nucleotide position 4294. The isoleucine at codon 1432 is replaced by valine, an amino acid with highly similar properties. This variant was not reported in population based cohorts in the following databases: Database of Single Nucleotide Polymorphisms (dbSNP), NHLBI Exome Sequencing Project (ESP), and 1000 Genomes Project. In the ESP, this variant was not observed in 6502 samples (13004 alleles) with coverage at this position. To date, this alteration has been detected with an allele frequency of approximately 0.001% (greater than 100000 alleles tested) in our clinical cohort. This amino acid position is well conserved in available vertebrate species. In addition, this alteration is predicted to be tolerated by in silico analysis. Since supporting evidence is limited at this time, the clinical significance of this alteration remains unclear.

NM_003072.5(SMARCA4):c.4198A>G (p.Ile1400Val)

Gene: SMARCA4 (SWI/SNF related BAF chromatin remodeling complex subunit ATPase 4; plus strand). Cytogenetic location: 19p13.2.
Variant type: single nucleotide variant.
Coding change: c.4198A>G on transcript NM_003072.5 (MANE Select); coding-DNA position 4198, A replaced by G.
Protein change: p.Ile1400Val; replaces isoleucine 1400 with valine.
Molecular consequence: missense variant. On other transcripts: non-coding transcript variant (1).
Genome position (GRCh38, 1-based): chr19:11,041,334, A>G. VCF-style: chr19-11041334-A-G. GRCh37 (hg19) VCF-style: chr19-11152010-A-G.
Other names: c.4198A>G, p.Ile1400Val (NM_001128844.3); c.4108A>G, p.Ile1370Val (NM_001128845.2, NM_001128846.2); c.4099A>G, p.Ile1367Val (NM_001128847.4, NM_001128848.2, NM_001374457.1); c.4294A>G, p.Ile1432Val (NM_001128849.3, NM_001387283.1); short protein forms I1432V, I1367V, I1370V, I1400V.
Identifiers: ClinVar variation 480651 (VCV000480651.5), dbSNP rs1555788095, ClinGen allele CA404072809.
Genomic context (GRCh38, chr19:11,041,334, plus strand): 5'-GGCTGTCCTATTTTACTACTATTGACCCTGAAGGCCATCGAGGAGGGCACGCTGGAGGAG[A>G]TCGAAGAGGAGGTCCGGCAGAAGAAATCATCACGGAAGCGCAAGCGAGACAGCGACGCCG-3'
Protein context (NP_003063.2, residues 1390-1410): KAIEEGTLEE[Ile1400Val]EEEVRQKKSS